The following is an entry in ClinVar:

ClinVar aggregate classification (germline): Uncertain significance (1 of 4 stars; one submission).

Conditions:
Lowe syndrome (OCRL). Also called: LOWE OCULOCEREBRORENAL SYNDROME; PHOSPHATIDYLINOSITOL 4,5-BISPHOSPHATE 5-PHOSPHATASE DEFICIENCY; Oculocerebrorenal Syndrome. Identifiers: Orphanet 534, MedGen C0028860, MONDO:0010645, OMIM 309000.

Submission:

Labcorp Genetics (formerly Invitae), Labcorp
Classification: Uncertain significance for Lowe syndrome. Last evaluated: 2024-11-13. Review status: criteria provided, single submitter. Criteria: Invitae Variant Classification Sherloc (09022015). Collection method: clinical testing. Allele origin: germline.
Comment: This sequence change replaces valine, which is neutral and non-polar, with isoleucine, which is neutral and non-polar, at codon 721 of the OCRL protein (p.Val721Ile). This variant is not present in population databases (gnomAD no frequency). This variant has not been reported in the literature in individuals affected with OCRL-related conditions. Invitae Evidence Modeling of protein sequence and biophysical properties (such as structural, functional, and spatial information, amino acid conservation, physicochemical variation, residue mobility, and thermodynamic stability) indicates that this missense variant is not expected to disrupt OCRL protein function with a negative predictive value of 80%. In summary, the available evidence is currently insufficient to determine the role of this variant in disease. Therefore, it has been classified as a Variant of Uncertain Significance.

NM_000276.4(OCRL):c.2161G>A (p.Val721Ile)

Gene: OCRL (OCRL inositol polyphosphate-5-phosphatase; plus strand). Cytogenetic location: Xq26.1.
Variant type: single nucleotide variant.
Coding change: c.2161G>A on transcript NM_000276.4 (MANE Select); coding-DNA position 2161, G replaced by A.
Protein change: p.Val721Ile; replaces valine 721 with isoleucine.
Molecular consequence: missense variant.
Genome position (GRCh38, 1-based): chrX:129,587,023, G>A. VCF-style: chrX-129587023-G-A. GRCh37 (hg19) VCF-style: chrX-128721000-G-A.
Other names: c.2164G>A, p.Val722Ile (NM_001318784.2); c.2137G>A, p.Val713Ile (NM_001587.4); short protein forms V721I, V713I, V722I.
Identifiers: ClinVar variation 3688878 (VCV003688878.2).